The following is an entry in ClinVar:

NM_004168.4(SDHA):c.252G>A (p.Gly84=)

Gene: SDHA (succinate dehydrogenase complex flavoprotein subunit A; plus strand). Cytogenetic location: 5p15.33.
Variant type: single nucleotide variant.
Coding change: c.252G>A on transcript NM_004168.4 (MANE Select); coding-DNA position 252, G replaced by A.
Protein change: p.Gly84=; no amino-acid change (glycine 84 retained).
Molecular consequence: synonymous variant.
Genome position (GRCh38, 1-based): chr5:224,461, G>A. VCF-style: chr5-224461-G-A. GRCh37 (hg19) VCF-style: chr5-224576-G-A.
Other names: c.252G>A, p.Gly84= (NM_001294332.2, NM_001330758.2).
Identifiers: ClinVar variation 1112493 (VCV001112493.12), dbSNP rs753293451, ClinGen allele CA442690896.

ClinVar aggregate classification (germline): Benign/Likely benign. Review status: criteria provided, multiple submitters, no conflicts (2 of 4 stars). 3 submissions from 3 submitters: Benign (1); Likely benign (2). Last evaluated 2025-12-31.

Conditions:
Pheochromocytoma/paraganglioma syndrome 5. Also called: Paragangliomas 5; SDHA-Related Hereditary Paraganglioma-Pheochromocytoma Syndrome. Identifiers: Orphanet 29072, MedGen C3279992, MONDO:0013602, OMIM 614165.
Mitochondrial complex II deficiency, nuclear type 1. Also called: SUCCINATE CoQ REDUCTASE DEFICIENCY. Identifiers: Orphanet 3208, MedGen C5700310, MONDO:0100294, OMIM 252011.
Hereditary cancer-predisposing syndrome. Also called: Tumor predisposition; Neoplastic Syndromes, Hereditary; Hereditary Cancer Syndrome; Hereditary neoplastic syndrome. Identifiers: Orphanet 140162, MedGen C0027672, MeSH D009386, MONDO:0015356.

gnomAD v4.1: 1 of 1,613,418 alleles (0.000062%); highest among the groups gnomAD compares: African/African-American, 0.0013%; no homozygotes.

Submissions (3):

Labcorp Genetics (formerly Invitae), Labcorp
Classification: Likely benign for Pheochromocytoma/paraganglioma syndrome 5; Mitochondrial complex II deficiency, nuclear type 1. Last evaluated: 2025-12-31. Review status: criteria provided, single submitter. Criteria: Invitae Variant Classification Sherloc (09022015). Collection method: clinical testing. Allele origin: germline.

Myriad Genetics, Inc.
Classification: Benign for Pheochromocytoma/paraganglioma syndrome 5. Last evaluated: 2025-02-28. Review status: criteria provided, single submitter. Criteria: Myriad Autosomal Dominant, Autosomal Recessive and X-Linked Classification Criteria (2023). Collection method: clinical testing. Allele origin: unknown.
Comment: This variant is considered benign. This variant is a silent/synonymous amino acid change and it is not expected to impact splicing.

Ambry Genetics
Classification: Likely benign for Hereditary cancer-predisposing syndrome. Last evaluated: 2020-12-30. Review status: criteria provided, single submitter. Criteria: Ambry Variant Classification Scheme 2023. Collection method: clinical testing. Allele origin: germline.